The following is an entry in ClinVar:

ClinVar aggregate classification (germline): Uncertain significance (1 of 4 stars; one submission).

Conditions:
Duchenne muscular dystrophy (DMD). Also called: Duchenne Muscular Dystrophy (DMD); MUSCULAR DYSTROPHY, PSEUDOHYPERTROPHIC PROGRESSIVE, DUCHENNE TYPE. Identifiers: Orphanet 98896, MedGen C0013264, MONDO:0010679, OMIM 310200.

Submission:

Labcorp Genetics (formerly Invitae), Labcorp
Classification: Uncertain significance for Duchenne muscular dystrophy. Last evaluated: 2019-11-27. Review status: criteria provided, single submitter. Criteria: Invitae Variant Classification Sherloc (09022015). Collection method: clinical testing. Allele origin: germline.
Comment: This variant results in a copy number gain of the genomic region encompassing exons 61-79 of the DMD gene. The 5' boundary is likely confined to intron 60. The 3' end of this event is unknown as it extends beyond the assayed region for this gene and therefore may encompass additional genes. As the precise location of this event is unknown, it may be in tandem or it may be located elsewhere in the genome. This variant has not been reported in the literature in individuals with DMD-related conditions. In summary, the available evidence is currently insufficient to determine the role of this variant in disease. Therefore, it has been classified as a Variant of Uncertain Significance.

NC_000023.11:g.(?_31121919)_(31348644_?)dup

Gene: DMD (dystrophin; minus strand). Cytogenetic location: Xp21.2.
Variant type: Duplication.
Identifiers: ClinVar variation 832795 (VCV000832795.1).